The following is an entry in ClinVar:

NM_001037333.3(CYFIP2):c.3336G>A (p.Pro1112=)

Genes: CYFIP2 (cytoplasmic FMR1 interacting protein 2; plus strand), NIPAL4-DT (NIPAL4 divergent transcript; minus strand). Cytogenetic location: 5q33.3.
Variant type: single nucleotide variant.
Coding change: c.3336G>A on transcript NM_001037333.3 (MANE Select); coding-DNA position 3336, G replaced by A.
Protein change: p.Pro1112=; no amino-acid change (proline 1112 retained).
Molecular consequence: synonymous variant.
Genome position (GRCh38, 1-based): chr5:157,389,317, G>A. VCF-style: chr5-157389317-G-A. GRCh37 (hg19) VCF-style: chr5-156816325-G-A.
Other names: c.3258G>A, p.Pro1086= (NM_001291721.2); c.3411G>A, p.Pro1137= (NM_001291722.2); c.3336G>A, p.Pro1112= (NM_014376.4).
Identifiers: ClinVar variation 788527 (VCV000788527.35), dbSNP rs114967929, ClinGen allele CA3534337.

ClinVar aggregate classification (germline): Benign/Likely benign. Review status: criteria provided, multiple submitters, no conflicts (2 of 4 stars). 4 submissions from 4 submitters: Benign (1); Likely benign (3). Last evaluated 2026-02-03.

Conditions:
Developmental and epileptic encephalopathy, 65. Also called: EPILEPTIC ENCEPHALOPATHY, EARLY INFANTILE, 65. Identifiers: MedGen C4693925, MONDO:0033374, OMIM 618008.

Allele frequency attached by ClinVar (database versions not stated): ESP Exome Variant Server 0.00271; TOPMed 0.00284; gnomAD 0.00318; 1000 Genomes Project 30x 0.00562; 1000 Genomes Project 0.00599.
gnomAD v4.1: 899 of 1,614,000 alleles (0.056%); highest among the groups gnomAD compares: African/African-American, 1%; 3 homozygotes.

Submissions (4):

Labcorp Genetics (formerly Invitae), Labcorp
Classification: Benign. Last evaluated: 2026-02-03. Review status: criteria provided, single submitter. Criteria: Invitae Variant Classification Sherloc (09022015). Collection method: clinical testing. Allele origin: germline.

CeGaT Center for Human Genetics Tuebingen
Classification: Likely benign. Last evaluated: 2026-02-01. Review status: criteria provided, single submitter. Criteria: CeGaT Center For Human Genetics Tuebingen Variant Classification Criteria Version 2. Collection method: clinical testing. Allele origin: germline. Affected: yes. Observed: 3 variant alleles.
Comment: CYFIP2: BP4, BP7, BS1

Blueprint Genetics
Classification: Likely benign. Last evaluated: 2024-10-09. Review status: criteria provided, single submitter. Criteria: ACMG Guidelines, 2015. Collection method: clinical testing. Allele origin: germline.

Fulgent Genetics
Classification: Likely benign for Developmental and epileptic encephalopathy, 65. Last evaluated: 2021-09-13. Review status: criteria provided, single submitter. Criteria: ACMG Guidelines, 2015. Collection method: clinical testing. Allele origin: unknown.